The following is an entry in ClinVar:

NM_001367721.1(CASK):c.60-3T>C

Gene: CASK (calcium/calmodulin dependent serine protein kinase; minus strand). Cytogenetic location: Xp11.4.
Variant type: single nucleotide variant.
Coding change: c.60-3T>C on transcript NM_001367721.1 (MANE Select); 3 bases into the intron before coding-DNA position 60, T replaced by C.
Molecular consequence: intron variant.
Genome position (GRCh38, 1-based): chrX:41,853,230, A>G on the plus strand (T>C on the coding strand, the complement: CASK is on the minus strand). VCF-style: chrX-41853230-A-G. GRCh37 (hg19) VCF-style: chrX-41712483-A-G.
Other names: c.60-3T>C (NM_001126055.3, NM_001410745.1, NM_001126054.3 and 1 more transcripts).
Identifiers: ClinVar variation 2973023 (VCV002973023.3), dbSNP rs2519893009, ClinGen allele CA2579589579.

ClinVar aggregate classification (germline): Uncertain significance (1 of 4 stars; one submission).

Conditions:
Intellectual disability, CASK-related, X-linked. Identifiers: MedGen CN043158.

Allele frequency attached by ClinVar (database versions not stated): gnomAD exomes below 0.00001.
gnomAD v4.1: 2 of 1,133,022 alleles (0.00018%); highest among the groups gnomAD compares: Non-Finnish European, 0.00024%; no homozygotes.

Submission:

Labcorp Genetics (formerly Invitae), Labcorp
Classification: Uncertain significance for Intellectual disability, CASK-related, X-linked. Last evaluated: 2024-10-09. Review status: criteria provided, single submitter. Criteria: Invitae Variant Classification Sherloc (09022015). Collection method: clinical testing. Allele origin: germline.
Comment: This sequence change falls in intron 1 of the CASK gene. It does not directly change the encoded amino acid sequence of the CASK protein. It affects a nucleotide within the consensus splice site. This variant is not present in population databases (gnomAD no frequency). This variant has not been reported in the literature in individuals affected with CASK-related conditions. Variants that disrupt the consensus splice site are a relatively common cause of aberrant splicing (PMID: 17576681, 9536098). Algorithms developed to predict the effect of sequence changes on RNA splicing suggest that this variant is not likely to affect RNA splicing. In summary, the available evidence is currently insufficient to determine the role of this variant in disease. Therefore, it has been classified as a Variant of Uncertain Significance.

Literature cited by the submitters: PubMed 17576681; PubMed 9536098.